The following is an entry in ClinVar:

ClinVar aggregate classification (germline): Pathogenic (1 of 4 stars; one submission).

Conditions:
Immunodeficiency 104. Also called: Severe combined immunodeficiency, autosomal recessive, T cell-negative, B cell-positive, NK cell-positive; Severe Combined Immune Deficiency, Autosomal Recessive, TCell -Negative, B Cell-Positive, NK Cell-Positive, IL7R-Related; SCID, AUTOSOMAL RECESSIVE, T CELL-NEGATIVE, B CELL-POSITIVE, NK CELL-POSITIVE; IMMUNODEFICIENCY 104, SEVERE COMBINED. Identifiers: MedGen C5676890, MONDO:0012163, OMIM 608971.

Allele frequency attached by ClinVar (database versions not stated): gnomAD exomes below 0.00001.
gnomAD v4.1: 2 of 1,612,512 alleles (0.00012%); highest among the groups gnomAD compares: Admixed American, 0.0017%; no homozygotes.

Submission:

Labcorp Genetics (formerly Invitae), Labcorp
Classification: Pathogenic for Immunodeficiency 104. Last evaluated: 2023-07-24. Review status: criteria provided, single submitter. Criteria: Invitae Variant Classification Sherloc (09022015). Collection method: clinical testing. Allele origin: germline.
Comment: This sequence change creates a premature translational stop signal (p.Arg673*) in the PTPRC gene. It is expected to result in an absent or disrupted protein product. Loss-of-function variants in PTPRC are known to be pathogenic (PMID: 10700239). This variant is not present in population databases (gnomAD no frequency). This variant has not been reported in the literature in individuals affected with PTPRC-related conditions. For these reasons, this variant has been classified as Pathogenic.

Literature cited by the submitters: PubMed 10700239.

NM_002838.5(PTPRC):c.2017C>T (p.Arg673Ter)

Gene: PTPRC (protein tyrosine phosphatase receptor type C; plus strand). Cytogenetic location: 1q32.1.
Variant type: single nucleotide variant.
Coding change: c.2017C>T on transcript NM_002838.5 (MANE Select); coding-DNA position 2017, C replaced by T.
Protein change: p.Arg673Ter; replaces arginine 673 with a stop codon.
Molecular consequence: nonsense.
Genome position (GRCh38, 1-based): chr1:198,732,342, C>T. VCF-style: chr1-198732342-C-T. GRCh37 (hg19) VCF-style: chr1-198701471-C-T.
Other names: c.1534C>T, p.Arg512Ter (NM_080921.4); short protein forms R673*, R512*.
Identifiers: ClinVar variation 2853337 (VCV002853337.3), dbSNP rs2527937650, ClinGen allele CA344045311.